The following is an entry in ClinVar:

ClinVar aggregate classification (germline): Uncertain significance (1 of 4 stars; one submission).

Conditions:
Argininosuccinate lyase deficiency. Also called: ARGININOSUCCINIC ACID LYASE DEFICIENCY; ASL DEFICIENCY; Argininosuccinic aciduria. Identifiers: Orphanet 23, MedGen C0268547, MONDO:0008815, OMIM 207900, HP:0025630.

Submission:

Myriad Genetics, Inc.
Classification: Uncertain significance for Argininosuccinate lyase deficiency. Last evaluated: 2026-07-06. Review status: criteria provided, single submitter. Criteria: Myriad Autosomal Dominant, Autosomal Recessive and X-Linked Classification Criteria (2023). Collection method: clinical testing. Allele origin: unknown.
Comment: NM_001024943.1(ASL):c.899C>G(A300G) is a missense variant classified as a variant of uncertain significance in the context of argininosuccinic aciduria. A300G has not been observed in cases with relevant disease. Relevant functional assessments of this variant are not available in the literature. A300G has not been observed in referenced population frequency databases. In summary, there is insufficient evidence to classify NM_001024943.1(ASL):c.899C>G(A300G) as pathogenic or benign. Please note: this variant was assessed in the context of healthy population screening.

NM_000048.4(ASL):c.899C>G (p.Ala300Gly)

Gene: ASL (argininosuccinate lyase; plus strand). Cytogenetic location: 7q11.21.
Variant type: single nucleotide variant.
Coding change: c.899C>G on transcript NM_000048.4 (MANE Select); coding-DNA position 899, C replaced by G.
Protein change: p.Ala300Gly; replaces alanine 300 with glycine.
Molecular consequence: missense variant.
Genome position (GRCh38, 1-based): chr7:66,089,156, C>G. VCF-style: chr7-66089156-C-G. GRCh37 (hg19) VCF-style: chr7-65554143-C-G.
Other names: c.899C>G, p.Ala300Gly (NM_001024943.2, NM_001024944.2); c.821C>G, p.Ala274Gly (NM_001024946.2); short protein forms A300G, A274G.
Identifiers: ClinVar variation 5004776 (VCV005004776.1).
Genomic context (GRCh38, chr7:66,089,156, plus strand): 5'-GAAGCAGCCTGATGCCCCAGAAGAAAAACCCCGACAGTTTGGAGCTGATCCGGAGCAAGG[C>G]TGGGCGTGTGTTTGGGCGGGTGAGCAAGGCAGGGGGAGGGGCGGGGCCTCTGGGCTGATG-3'
Protein context (NP_000039.2, residues 290-310): PDSLELIRSK[Ala300Gly]GRVFGRCAGL